The following is an entry in ClinVar:

NM_002976.4(SCN7A):c.707A>C (p.Gln236Pro)

Gene: SCN7A (sodium voltage-gated channel alpha subunit 7; minus strand). Cytogenetic location: 2q24.3.
Variant type: single nucleotide variant.
Coding change: c.707A>C on transcript NM_002976.4 (MANE Select); coding-DNA position 707, A replaced by C.
Protein change: p.Gln236Pro; replaces glutamine 236 with proline.
Molecular consequence: missense variant. On other transcripts: non-coding transcript variant (1).
Genome position (GRCh38, 1-based): chr2:166,465,945, T>G on the plus strand (A>C on the coding strand, the complement: SCN7A is on the minus strand). VCF-style: chr2-166465945-T-G. GRCh37 (hg19) VCF-style: chr2-167322455-T-G.
Other names: short protein forms Q236P.
Identifiers: ClinVar variation 3041117 (VCV003041117.2), dbSNP rs147014741, ClinGen allele CA1945875.
Genomic context (GRCh38, chr2:166,465,945, plus strand): 5'-ATCCCAATTAGAGAAAATATGCTCAGAAAAAACAGAGTTAGGATAATGACACCAATAAGC[T>G]GCTTCAAGCAGTGGATCAGGACCCCTACAAGGGATTTCAGACCTGGAAAGAGAAACATTT-3'
Protein context (NP_002967.2, residues 226-246): LVGVLIHCLK[Gln236Pro]LIGVIILTLF

ClinVar aggregate classification (germline): Benign (0 of 4 stars; one submission).

Conditions:
SCN7A-related disorder. Also called: SCN7A-related condition.

Allele frequency attached by ClinVar (database versions not stated): TOPMed 0.00026; 1000 Genomes Project 30x 0.00062; 1000 Genomes Project 0.00080; ESP Exome Variant Server 0.00085; gnomAD 0.00203; ExAC 0.00280.

Submission:

PreventionGenetics, part of Exact Sciences
Classification: Benign for SCN7A-related condition. Last evaluated: 2019-09-10. Review status: no assertion criteria provided. Collection method: clinical testing. Allele origin: germline.
Comment: This variant is classified as benign based on ACMG/AMP sequence variant interpretation guidelines (Richards et al. 2015 PMID: 25741868, with internal and published modifications).